The following is an entry in ClinVar:

NM_014208.3(DSPP):c.689C>T (p.Thr230Ile)

Genes: DMP1-AS1 (DMP1 and DSPP antisense RNA 1; minus strand), DSPP (dentin sialophosphoprotein; plus strand). Cytogenetic location: 4q22.1.
Variant type: single nucleotide variant.
Coding change: c.689C>T on transcript NM_014208.3 (MANE Select); coding-DNA position 689, C replaced by T.
Protein change: p.Thr230Ile; replaces threonine 230 with isoleucine.
Molecular consequence: missense variant.
Genome position (GRCh38, 1-based): chr4:87,612,875, C>T. VCF-style: chr4-87612875-C-T. GRCh37 (hg19) VCF-style: chr4-88534027-C-T.
Other names: short protein forms T230I.
Identifiers: ClinVar variation 2868017 (VCV002868017.3), dbSNP rs1234833343, ClinGen allele CA357604360.

ClinVar aggregate classification (germline): Uncertain significance (1 of 4 stars; one submission).

gnomAD v4.1: 1 of 1,614,066 alleles (0.000062%); no homozygotes.

Submission:

Labcorp Genetics (formerly Invitae), Labcorp
Classification: Uncertain significance. Last evaluated: 2023-08-02. Review status: criteria provided, single submitter. Criteria: Invitae Variant Classification Sherloc (09022015). Collection method: clinical testing. Allele origin: germline.
Comment: This variant has not been reported in the literature in individuals affected with DSPP-related conditions. An algorithm developed to predict the effect of missense changes on protein structure and function (PolyPhen-2) suggests that this variant is likely to be disruptive. This variant is present in population databases (no rsID available, gnomAD no frequency). This sequence change replaces threonine, which is neutral and polar, with isoleucine, which is neutral and non-polar, at codon 230 of the DSPP protein (p.Thr230Ile). In summary, the available evidence is currently insufficient to determine the role of this variant in disease. Therefore, it has been classified as a Variant of Uncertain Significance.